The following is an entry in ClinVar:

NM_152703.5(SAMD9L):c.1003C>A (p.Gln335Lys)

Gene: SAMD9L (sterile alpha motif domain containing 9 like; minus strand). Cytogenetic location: 7q21.2.
Variant type: single nucleotide variant.
Coding change: c.1003C>A on transcript NM_152703.5 (MANE Select); coding-DNA position 1003, C replaced by A.
Protein change: p.Gln335Lys; replaces glutamine 335 with lysine.
Molecular consequence: missense variant.
Genome position (GRCh38, 1-based): chr7:93,134,969, G>T on the plus strand (C>A on the coding strand, the complement: SAMD9L is on the minus strand). VCF-style: chr7-93134969-G-T. GRCh37 (hg19) VCF-style: chr7-92764282-G-T.
Other names: c.1003C>A, p.Gln335Lys (NM_001303496.3, NM_001303497.3, NM_001303498.3 and 5 more transcripts); short protein forms Q335K.
Identifiers: ClinVar variation 3792354 (VCV003792354.1).
Genomic context (GRCh38, chr7:93,134,969, plus strand): 5'-TGGCCAGGATATCCCTAGAGCTAGCCCCTTCTCTTACAAACAGTGAAAGATTTTGGTTTT[G>T]TTTCCATATTTTATCTTTACAAATTTGCATCTGAATGTAGAAATACTTATCATTACATAT-3'
Protein context (NP_689916.2, residues 325-345): MQICKDKIWK[Gln335Lys]NQNLSLFVRE

ClinVar aggregate classification (germline): Uncertain significance (1 of 4 stars; one submission).

Conditions:
Inborn genetic diseases. Identifiers: MedGen C0950123, MeSH D030342.

Submission:

Ambry Genetics
Classification: Uncertain significance for Inborn genetic diseases. Last evaluated: 2025-01-25. Review status: criteria provided, single submitter. Criteria: Ambry Variant Classification Scheme 2023. Collection method: clinical testing. Allele origin: germline.
Comment: The p.Q335K variant (also known as c.1003C>A), located in coding exon 1 of the SAMD9L gene, results from a C to A substitution at nucleotide position 1003. The glutamine at codon 335 is replaced by lysine, an amino acid with similar properties. This amino acid position is conserved. In addition, this alteration is predicted to be tolerated by in silico analysis. Based on the available evidence, the clinical significance of this variant remains unclear.